The following is an entry in ClinVar:

NM_005534.4(IFNGR2):c.249G>A (p.Gly83=)

Gene: IFNGR2 (interferon gamma receptor 2; plus strand). Cytogenetic location: 21q22.11.
Variant type: single nucleotide variant.
Coding change: c.249G>A on transcript NM_005534.4 (MANE Select); coding-DNA position 249, G replaced by A.
Protein change: p.Gly83=; no amino-acid change (glycine 83 retained).
Molecular consequence: synonymous variant.
Genome position (GRCh38, 1-based): chr21:33,421,522, G>A. VCF-style: chr21-33421522-G-A. GRCh37 (hg19) VCF-style: chr21-34793829-G-A.
Other names: c.306G>A, p.Gly102= (NM_001329128.2).
Identifiers: ClinVar variation 474967 (VCV000474967.32), dbSNP rs141609920, ClinGen allele CA10006900.

ClinVar aggregate classification (germline): Likely benign. Review status: criteria provided, multiple submitters, no conflicts (2 of 4 stars). 2 submissions from 2 submitters: Likely benign (2). Last evaluated 2025-12-24.

Conditions:
Immunodeficiency 28 (IMD28). Also called: IFNGR2 DEFICIENCY. Identifiers: Orphanet 319547, Orphanet 319574, MedGen C4013947, MONDO:0013953, OMIM 614889.

Allele frequency attached by ClinVar (database versions not stated): gnomAD 0.00004 and 0.00005; gnomAD exomes 0.00004; ExAC 0.00005; TOPMed 0.00005; ESP Exome Variant Server 0.00008.
gnomAD v4.1: 60 of 1,613,862 alleles (0.0037%); highest among the groups gnomAD compares: African/African-American, 0.0053%; no homozygotes.

Submissions (2):

Labcorp Genetics (formerly Invitae), Labcorp
Classification: Likely benign for Immunodeficiency 28. Last evaluated: 2025-12-24. Review status: criteria provided, single submitter. Criteria: Invitae Variant Classification Sherloc (09022015). Collection method: clinical testing. Allele origin: germline.

CeGaT Center for Human Genetics Tuebingen
Classification: Likely benign. Last evaluated: 2022-09-01. Review status: criteria provided, single submitter. Criteria: CeGaT Center For Human Genetics Tuebingen Variant Classification Criteria Version 2. Collection method: clinical testing. Allele origin: germline. Affected: yes. Observed: 1 variant allele.
Comment: IFNGR2: BP4, BP7